The following is an entry in ClinVar:

NM_032531.4(KIRREL3):c.1564A>T (p.Lys522Ter)

Gene: KIRREL3 (kirre like nephrin family adhesion molecule 3; minus strand). Cytogenetic location: 11q24.2.
Variant type: single nucleotide variant.
Coding change: c.1564A>T on transcript NM_032531.4 (MANE Select); coding-DNA position 1564, A replaced by T.
Protein change: p.Lys522Ter; replaces lysine 522 with a stop codon.
Molecular consequence: nonsense. On other transcripts: intron variant (7).
Genome position (GRCh38, 1-based): chr11:126,435,292, T>A on the plus strand (A>T on the coding strand, the complement: KIRREL3 is on the minus strand). VCF-style: chr11-126435292-T-A. GRCh37 (hg19) VCF-style: chr11-126305187-T-A.
Other names: c.1564A>T, p.Lys522Ter (NM_001161707.2, NM_001441253.1, NM_001441257.1 and 1 more transcripts); c.1672A>T, p.Lys558Ter (NM_001441252.1); c.1603A>T, p.Lys535Ter (NM_001441254.1, NM_001441263.1); c.1522A>T, p.Lys508Ter (NM_001441255.1, NM_001441259.1); c.1402+1519A>T (NM_001441262.1); c.1552+1519A>T (NM_001441261.1, NM_001301097.2, NM_001441251.1 and 1 more transcripts); c.1591+1519A>T (NM_001441256.1); c.1510+1519A>T (NM_001441260.1); short protein forms K508*, K558*, K535*, K522*.
Identifiers: ClinVar variation 4715115 (VCV004715115.1).
Genomic context (GRCh38, chr11:126,435,292, plus strand): 5'-CCTTCCCAGGGCCATTCTCATCATCTCCTTCCGTACCTGCTTCCAGCCCGGCTCCCGACT[T>A]CATTTCCGAACCTGTTTGGAAATAAAGCAAGCGTCTACAGCCAGGGCCTGGCTGGCCAGG-3'

ClinVar aggregate classification (germline): Uncertain significance (1 of 4 stars; one submission).

Submission:

Labcorp Genetics (formerly Invitae), Labcorp
Classification: Uncertain significance. Last evaluated: 2025-03-14. Review status: criteria provided, single submitter. Criteria: Invitae Variant Classification Sherloc (09022015). Collection method: clinical testing. Allele origin: germline.
Comment: This sequence change creates a premature translational stop signal (p.Lys522*) in the KIRREL3 gene. It is expected to result in an absent or disrupted protein product. However, the current clinical and genetic evidence is not sufficient to establish whether loss-of-function variants in KIRREL3 cause disease. This variant is not present in population databases (gnomAD no frequency). This variant has not been reported in the literature in individuals affected with KIRREL3-related conditions. Algorithms developed to predict the effect of sequence changes on RNA splicing suggest that this variant may disrupt the consensus splice site. In summary, the available evidence is currently insufficient to determine the role of this variant in disease. Therefore, it has been classified as a Variant of Uncertain Significance.